The following is an entry in ClinVar:

NM_001278116.2(L1CAM):c.1540G>A (p.Val514Ile)

Gene: L1CAM (L1 cell adhesion molecule; minus strand). Cytogenetic location: Xq28.
Variant type: single nucleotide variant.
Coding change: c.1540G>A on transcript NM_001278116.2 (MANE Select); coding-DNA position 1540, G replaced by A.
Protein change: p.Val514Ile; replaces valine 514 with isoleucine.
Molecular consequence: missense variant.
Genome position (GRCh38, 1-based): chrX:153,868,567, C>T on the plus strand (G>A on the coding strand, the complement: L1CAM is on the minus strand). VCF-style: chrX-153868567-C-T. GRCh37 (hg19) VCF-style: chrX-153134022-C-T.
Other names: c.1540G>A, p.Val514Ile (NM_000425.5, NM_024003.3); c.1525G>A, p.Val509Ile (NM_001143963.2); short protein forms V509I, V514I.
Identifiers: ClinVar variation 5020775 (VCV005020775.1).

ClinVar aggregate classification (germline): Uncertain significance (1 of 4 stars; one submission).

gnomAD v4.1: 1 of 1,212,319 alleles (0.000082%); highest among the groups gnomAD compares: Non-Finnish European, 0.00011%; no homozygotes.

Submission:

Dasa
Classification: Uncertain significance. Last evaluated: 2025-12-03. Review status: criteria provided, single submitter. Criteria: DASA Assertion Criteria. Collection method: clinical testing. Allele origin: germline.
Comment: NM_001278116.2(L1CAM):c.1540G>A (p.Val514Ile) is a missense variant that results in the substitution of valine with isoleucine. This variant is rare in population databases. The currently available literature and clinical evidence are not sufficient to establish a definitive association between this variant and the reported condition. Therefore, this variant is classified as a variant of uncertain significance.